The following is an entry in ClinVar:

NM_001018005.2(TPM1):c.284T>C (p.Val95Ala)

Gene: TPM1 (tropomyosin 1; plus strand). Cytogenetic location: 15q22.2.
Variant type: single nucleotide variant.
Coding change: c.284T>C on transcript NM_001018005.2 (MANE Select); coding-DNA position 284, T replaced by C.
Protein change: p.Val95Ala; replaces valine 95 with alanine.
Molecular consequence: missense variant.
Genome position (GRCh38, 1-based): chr15:63,057,028, T>C. VCF-style: chr15-63057028-T-C. GRCh37 (hg19) VCF-style: chr15-63349227-T-C.
Other names: p.V95A:GTT>GCT; c.284T>C, p.Val95Ala (NM_000366.6, NM_001018004.2, NM_001018006.2 and 6 more transcripts); c.176T>C, p.Val59Ala (NM_001018008.2, NM_001301289.2, NM_001330344.2 and 5 more transcripts); c.410T>C, p.Val137Ala (NM_001365778.1); short protein forms V95A, V137A, V59A.
Identifiers: ClinVar variation 12457 (VCV000012457.23), dbSNP rs104894504, ClinGen allele CA017934.

ClinVar aggregate classification (germline): Pathogenic/Likely pathogenic. Review status: criteria provided, multiple submitters, no conflicts (2 of 4 stars). 6 submissions from 6 submitters: Pathogenic (3); Likely pathogenic (1). 2 of the submissions do not count toward it. Last evaluated 2025-12-15.

Conditions:
Cardiovascular phenotype. Identifiers: MedGen CN230736.
Hypertrophic cardiomyopathy 3. Also called: TPM1-Related Familial Hypertrophic Cardiomyopathy. Identifiers: MedGen C1861863, MONDO:0007267, OMIM 115196.
Hypertrophic cardiomyopathy. Also called: HYPERTROPHIC MYOCARDIOPATHY. Identifiers: Orphanet 217569, MedGen C0007194, MeSH D002312, MONDO:0005045, HP:0001639.

Submissions (6):

Labcorp Genetics (formerly Invitae), Labcorp
Classification: Pathogenic for Hypertrophic cardiomyopathy. Last evaluated: 2025-12-15. Review status: criteria provided, single submitter. Criteria: Invitae Variant Classification Sherloc (09022015). Collection method: clinical testing. Allele origin: germline.
Comment: This sequence change replaces valine, which is neutral and non-polar, with alanine, which is neutral and non-polar, at codon 95 of the TPM1 protein (p.Val95Ala). This variant is not present in population databases (gnomAD no frequency). This missense change has been observed in individual(s) with hypertrophic cardiomyopathy and dilated cardiomyopathy (PMID: 11136687, 29540472). It has also been observed to segregate with disease in related individuals. ClinVar contains an entry for this variant (Variation ID: 12457). An algorithm developed to predict the effect of missense changes on protein structure and function (PolyPhen-2) suggests that this variant is likely to be disruptive. Experimental studies have shown that this missense change affects TPM1 function (PMID: 11136687, 21295541, 21320446, 22187526, 29496559). For these reasons, this variant has been classified as Pathogenic.

GeneDx
Classification: Pathogenic. Last evaluated: 2024-07-30. Review status: criteria provided, single submitter. Criteria: GeneDx Variant Classification Process June 2021. Collection method: clinical testing. Allele origin: germline. Affected: yes.
Comment: Not observed at significant frequency in large population cohorts (gnomAD); In silico analysis supports that this missense variant has a deleterious effect on protein structure/function; Published functional studies demonstrate a damaging effect as this variant results in increased thin filament Ca2+ sensitivity and alters the rate of myosin cycling (PMID: 11136687); This variant is associated with the following publications: (PMID: 21295541, 21320446, 29540472, 11136687, 32880476, 22187526)

Ambry Genetics
Classification: Likely pathogenic for Cardiovascular phenotype. Last evaluated: 2020-09-25. Review status: criteria provided, single submitter. Criteria: Ambry Variant Classification Scheme 2023. Collection method: clinical testing. Allele origin: germline.
Comment: The p.V95A variant (also known as c.284T>C), located in coding exon 3 of the TPM1 gene, results from a T to C substitution at nucleotide position 284. The valine at codon 95 is replaced by alanine, an amino acid with similar properties. This alteration was reported to segregate with hypertrophic cardiomyopathy in a multi-generation family with reduced penetrance (Karibe A et al. Circulation, 2001 Jan;103:65-71). This variant has also been detected in a dilated cardiomypathy cohort (Hazebroek MR et al. Circ Heart Fail. 2018 03;11(3):e004682). In vitro assays suggested that this mutant would affect protein structure and function (Karibe A et al. Circulation, 2001 Jan;103:65-71; Bai F et al. Biophys. J., 2011 Feb;100:1014-23; Mathur MC et al. Biochem. Biophys. Res. Commun., 2011 Mar;406:74-8; Wang F et al. J. Biomed. Biotechnol., 2011 Dec;2011:435271). This variant was not reported in population-based cohorts in the Genome Aggregation Database (gnomAD). This amino acid position is highly conserved in available vertebrate species. In addition, this alteration is predicted to be deleterious by in silico analysis. Based on the majority of available evidence to date, this variant is likely to be pathogenic.

Laboratory for Molecular Medicine, Mass General Brigham Personalized Medicine
Classification: Pathogenic for Hypertrophic cardiomyopathy. Last evaluated: 2014-10-06. Review status: criteria provided, single submitter. Criteria: LMM Criteria. Collection method: clinical testing. Allele origin: germline. Inheritance: Autosomal dominant inheritance. Observed: 1 variant allele.
Comment: It was absent from large population studies. In vitro functional studies ind icate this variant may impact protein function (Karibe 2001, Mathur 2011, Bai 20 11, Wang 2011); however, in vitro assays may not accurately represent biological function. Valine (Val) at position 95 is highly conserved in mammals and across evolutionarily distant species and the change to alanine (Ala) was predicted to be pathogenic using a computational tool clinically validated by our laboratory . This tool's pathogenic prediction is estimated to be correct 94% of the time ( Jordan 2011). In summary, this variant meets our criteria to be classified as pa thogenic for HCM in an autosomal dominant manner (alizedmedicine/LMM) based upon segregation studies, absence from controls, and f unctional evidence.

Leiden Muscular Dystrophy (TPM1)
No classification provided. Condition: Familial hypertrophic cardiomyopathy 3. Last evaluated: 2012-04-15. Review status: no classification provided. Collection method: curation. Allele origin: germline. Not counted in ClinVar's aggregate classification.

OMIM
Classification: Pathogenic for CARDIOMYOPATHY, FAMILIAL HYPERTROPHIC, 3. Last evaluated: 2001-01-02. Review status: no assertion criteria provided. Collection method: literature only. Allele origin: germline. Not counted in ClinVar's aggregate classification.

Literature cited by the submitters: PubMed 11136687 (cited by 4 submitters); PubMed 29540472 (cited by Labcorp Genetics (formerly Invitae), Labcorp and Ambry Genetics); PubMed 21295541 (cited by 3 submitters); PubMed 21320446 (cited by 3 submitters); PubMed 22187526 (cited by 3 submitters); PubMed 29496559 (cited by Labcorp Genetics (formerly Invitae), Labcorp).